The following is an entry in ClinVar:

ClinVar aggregate classification (germline): Uncertain significance (1 of 4 stars; one submission).

Submission:

Labcorp Genetics (formerly Invitae), Labcorp
Classification: Uncertain significance. Last evaluated: 2022-04-25. Review status: criteria provided, single submitter. Criteria: Invitae Variant Classification Sherloc (09022015). Collection method: clinical testing. Allele origin: germline.
Comment: Algorithms developed to predict the effect of missense changes on protein structure and function are either unavailable or do not agree on the potential impact of this missense change (SIFT: "Deleterious"; PolyPhen-2: "Probably Damaging"; Align-GVGD: "Class C0"). In summary, the available evidence is currently insufficient to determine the role of this variant in disease. Therefore, it has been classified as a Variant of Uncertain Significance. This variant has not been reported in the literature in individuals affected with MSH3-related conditions. This variant is not present in population databases (gnomAD no frequency). This sequence change replaces tyrosine, which is neutral and polar, with asparagine, which is neutral and polar, at codon 256 of the MSH3 protein (p.Tyr256Asn).

NM_002439.5(MSH3):c.766T>A (p.Tyr256Asn)

Gene: MSH3 (mutS homolog 3; plus strand). Cytogenetic location: 5q14.1.
Variant type: single nucleotide variant.
Coding change: c.766T>A on transcript NM_002439.5 (MANE Select); coding-DNA position 766, T replaced by A.
Protein change: p.Tyr256Asn; replaces tyrosine 256 with asparagine.
Molecular consequence: missense variant.
Genome position (GRCh38, 1-based): chr5:80,670,283, T>A. VCF-style: chr5-80670283-T-A. GRCh37 (hg19) VCF-style: chr5-79966102-T-A.
Other names: short protein forms Y256N.
Identifiers: ClinVar variation 2130498 (VCV002130498.4), dbSNP rs1298061414, ClinGen allele CA360266975.